The following is an entry in ClinVar:

ClinVar aggregate classification (germline): Likely benign. Review status: criteria provided, multiple submitters, no conflicts (2 of 4 stars). 4 submissions from 4 submitters: Likely benign (4). Last evaluated 2025-12-03.

Conditions:
Inborn genetic diseases. Identifiers: MedGen C0950123, MeSH D030342.
Developmental and epileptic encephalopathy, 30 (DEE30). Also called: Epileptic encephalopathy, early infantile, 30. Identifiers: MedGen C4225360, MONDO:0014595, OMIM 616341.

Allele frequency attached by ClinVar (database versions not stated): ESP Exome Variant Server 0.00031.

Submissions (4):

Labcorp Genetics (formerly Invitae), Labcorp
Classification: Likely benign for Developmental and epileptic encephalopathy, 30. Last evaluated: 2025-12-03. Review status: criteria provided, single submitter. Criteria: Invitae Variant Classification Sherloc (09022015). Collection method: clinical testing. Allele origin: germline.

Blueprint Genetics
Classification: Likely benign. Last evaluated: 2024-10-02. Review status: criteria provided, single submitter. Criteria: ACMG Guidelines, 2015. Collection method: clinical testing. Allele origin: germline.

CeGaT Center for Human Genetics Tuebingen
Classification: Likely benign. Last evaluated: 2024-08-01. Review status: criteria provided, single submitter. Criteria: CeGaT Center For Human Genetics Tuebingen Variant Classification Criteria Version 2. Collection method: clinical testing. Allele origin: germline. Affected: yes. Observed: 4 variant alleles.
Comment: SIK1: BP4, BP7

Ambry Genetics
Classification: Likely benign for Inborn genetic diseases. Last evaluated: 2016-05-03. Review status: criteria provided, single submitter. Criteria: Ambry Variant Classification Scheme 2023. Collection method: clinical testing. Allele origin: germline.

NM_173354.5(SIK1):c.1179G>A (p.Pro393=)

Gene: SIK1 (salt inducible kinase 1; minus strand). Cytogenetic location: 21q22.3.
Variant type: single nucleotide variant.
Coding change: c.1179G>A on transcript NM_173354.5 (MANE Select); coding-DNA position 1179, G replaced by A.
Protein change: p.Pro393=; no amino-acid change (proline 393 retained).
Molecular consequence: synonymous variant.
Genome position (GRCh38, 1-based): chr21:43,419,419, C>T on the plus strand (G>A on the coding strand, the complement: SIK1 is on the minus strand). VCF-style: chr21-43419419-C-T. GRCh37 (hg19) VCF-style: chr21-44839299-C-T.
Identifiers: ClinVar variation 589822 (VCV000589822.56), dbSNP rs142768400, ClinGen allele CA321326129.